The following is an entry in ClinVar:

ClinVar aggregate classification (germline): Uncertain significance (1 of 4 stars; one submission).

Submission:

Labcorp Genetics (formerly Invitae), Labcorp
Classification: Uncertain significance. Last evaluated: 2025-08-03. Review status: criteria provided, single submitter. Criteria: Invitae Variant Classification Sherloc (09022015). Collection method: clinical testing. Allele origin: germline.
Comment: This sequence change replaces tyrosine, which is neutral and polar, with histidine, which is basic and polar, at codon 88 of the RIPK1 protein (p.Tyr88His). This variant is present in population databases (rs747878536, gnomAD 0.01%). This variant has not been reported in the literature in individuals affected with RIPK1-related conditions. An algorithm developed to predict the effect of missense changes on protein structure and function (PolyPhen-2) suggests that this variant is likely to be disruptive. In summary, the available evidence is currently insufficient to determine the role of this variant in disease. Therefore, it has been classified as a Variant of Uncertain Significance.

NM_001354930.2(RIPK1):c.262T>C (p.Tyr88His)

Gene: RIPK1 (receptor interacting serine/threonine kinase 1; plus strand). Cytogenetic location: 6p25.2.
Variant type: single nucleotide variant.
Coding change: c.262T>C on transcript NM_001354930.2 (MANE Select); coding-DNA position 262, T replaced by C.
Protein change: p.Tyr88His; replaces tyrosine 88 with histidine.
Molecular consequence: missense variant. On other transcripts: 5 prime UTR variant (4).
Genome position (GRCh38, 1-based): chr6:3,077,876, T>C. VCF-style: chr6-3077876-T-C. GRCh37 (hg19) VCF-style: chr6-3078110-T-C.
Other names: c.-342T>C (NM_001317061.3, NM_001354932.2, NM_001354933.2 and 1 more transcripts); c.262T>C, p.Tyr88His (NM_001354931.2, NM_003804.6); short protein forms Y88H.
Identifiers: ClinVar variation 4699751 (VCV004699751.1).
Genomic context (GRCh38, chr6:3,077,876, plus strand): 5'-AACAGACTGAGACACAGCCGGGTGGTGAAGCTCCTGGGCGTCATCATAGAGGAAGGGAAG[T>C]ACTCCCTGGTGATGGAGTACATGGAGAAGGGCAACCTGATGCACGTGCTGAAAGCCGAGG-3'
Protein context (NP_001341859.1, residues 78-98): LLGVIIEEGK[Tyr88His]SLVMEYMEKG